The following is an entry in ClinVar:

NM_005340.7(HINT1):c.251G>A (p.Cys84Tyr)

Gene: HINT1 (histidine triad nucleotide binding protein 1; minus strand). Cytogenetic location: 5q23.3.
Variant type: single nucleotide variant.
Coding change: c.251G>A on transcript NM_005340.7 (MANE Select); coding-DNA position 251, G replaced by A.
Protein change: p.Cys84Tyr; replaces cysteine 84 with tyrosine.
Molecular consequence: missense variant. On other transcripts: non-coding transcript variant (5).
Genome position (GRCh38, 1-based): chr5:131,159,577, C>T on the plus strand (G>A on the coding strand, the complement: HINT1 is on the minus strand). VCF-style: chr5-131159577-C-T. GRCh37 (hg19) VCF-style: chr5-130495270-C-T.
Other names: short protein forms C84Y.
Identifiers: ClinVar variation 2093769 (VCV002093769.4), dbSNP rs758848088, ClinGen allele CA127814749.

ClinVar aggregate classification (germline): Uncertain significance (1 of 4 stars; one submission).

Conditions:
Autosomal recessive axonal neuropathy with neuromyotonia (NMAN). Also called: MYOKYMIA, MYOTONIA, AND MUSCLE WASTING; Gamstorp-Wohlfart syndrome; Neuromyotonia and axonal neuropathy, autosomal recessive. Identifiers: Orphanet 324442, MedGen C5700127, MONDO:0007646, OMIM 137200.

Submission:

Labcorp Genetics (formerly Invitae), Labcorp
Classification: Uncertain significance for Autosomal recessive axonal neuropathy with neuromyotonia. Last evaluated: 2022-02-06. Review status: criteria provided, single submitter. Criteria: Invitae Variant Classification Sherloc (09022015). Collection method: clinical testing. Allele origin: germline.
Comment: Algorithms developed to predict the effect of missense changes on protein structure and function (SIFT, PolyPhen-2, Align-GVGD) all suggest that this variant is likely to be tolerated. This sequence change replaces cysteine, which is neutral and slightly polar, with tyrosine, which is neutral and polar, at codon 84 of the HINT1 protein (p.Cys84Tyr). This variant is not present in population databases (gnomAD no frequency). This variant has not been reported in the literature in individuals affected with HINT1-related conditions. This variant disrupts the p.Cys84 amino acid residue in HINT1. Other variant(s) that disrupt this residue have been determined to be pathogenic (PMID: 22961002, 24105373). This suggests that this residue is clinically significant, and that variants that disrupt this residue are likely to be disease-causing. In summary, the available evidence is currently insufficient to determine the role of this variant in disease. Therefore, it has been classified as a Variant of Uncertain Significance.

Literature cited by the submitters: PubMed 22961002; PubMed 24105373.